The following is an entry in ClinVar:

NM_001999.4(FBN2):c.8397G>A (p.Met2799Ile)

Gene: FBN2 (fibrillin 2; minus strand). Cytogenetic location: 5q23.3.
Variant type: single nucleotide variant.
Coding change: c.8397G>A on transcript NM_001999.4 (MANE Select); coding-DNA position 8397, G replaced by A.
Protein change: p.Met2799Ile; replaces methionine 2799 with isoleucine.
Molecular consequence: missense variant.
Genome position (GRCh38, 1-based): chr5:128,259,797, C>T on the plus strand (G>A on the coding strand, the complement: FBN2 is on the minus strand). VCF-style: chr5-128259797-C-T. GRCh37 (hg19) VCF-style: chr5-127595489-C-T.
Other names: short protein forms M2799I.
Identifiers: ClinVar variation 4759538 (VCV004759538.1).

ClinVar aggregate classification (germline): Uncertain significance (1 of 4 stars; one submission).

Conditions:
Congenital contractural arachnodactyly (CCA). Also called: Beals-Hecht syndrome; BEALS SYNDROME; Arthrogryposis, distal, type 9. Identifiers: Orphanet 115, MedGen C0220668, MONDO:0007363, OMIM 121050.

Submission:

Labcorp Genetics (formerly Invitae), Labcorp
Classification: Uncertain significance for Congenital contractural arachnodactyly. Last evaluated: 2025-12-31. Review status: criteria provided, single submitter. Criteria: Invitae Variant Classification Sherloc (09022015). Collection method: clinical testing. Allele origin: germline.
Comment: This sequence change replaces methionine, which is neutral and non-polar, with isoleucine, which is neutral and non-polar, at codon 2799 of the FBN2 protein (p.Met2799Ile). This variant is not present in population databases (gnomAD no frequency). This variant has not been reported in the literature in individuals affected with FBN2-related conditions. Invitae Evidence Modeling of protein sequence and biophysical properties (such as structural, functional, and spatial information, amino acid conservation, physicochemical variation, residue mobility, and thermodynamic stability) indicates that this missense variant is not expected to disrupt FBN2 protein function with a negative predictive value of 80%. In summary, the available evidence is currently insufficient to determine the role of this variant in disease. Therefore, it has been classified as a Variant of Uncertain Significance.